The following is an entry in ClinVar:

ClinVar aggregate classification (germline): Uncertain significance (1 of 4 stars; one submission).

Conditions:
Familial encephalopathy with neuroserpin inclusion bodies. Also called: ENCEPHALOPATHY, FAMILIAL, WITH COLLINS BODIES. Identifiers: Orphanet 85110, MedGen C1858680, MONDO:0011412, OMIM 604218.

Submission:

Labcorp Genetics (formerly Invitae), Labcorp
Classification: Uncertain significance for Familial encephalopathy with neuroserpin inclusion bodies. Last evaluated: 2022-09-01. Review status: criteria provided, single submitter. Criteria: Invitae Variant Classification Sherloc (09022015). Collection method: clinical testing. Allele origin: germline.
Comment: This sequence change replaces tyrosine, which is neutral and polar, with cysteine, which is neutral and slightly polar, at codon 225 of the SERPINI1 protein (p.Tyr225Cys). In summary, the available evidence is currently insufficient to determine the role of this variant in disease. Therefore, it has been classified as a Variant of Uncertain Significance. Algorithms developed to predict the effect of missense changes on protein structure and function are either unavailable or do not agree on the potential impact of this missense change (SIFT: "Deleterious"; PolyPhen-2: "Probably Damaging"; Align-GVGD: "Class C0"). ClinVar contains an entry for this variant (Variation ID: 1036215). This variant has not been reported in the literature in individuals affected with SERPINI1-related conditions. This variant is not present in population databases (gnomAD no frequency).

NM_001122752.2(SERPINI1):c.674A>G (p.Tyr225Cys)

Gene: SERPINI1 (serpin family I member 1; plus strand). Cytogenetic location: 3q26.1.
Variant type: single nucleotide variant.
Coding change: c.674A>G on transcript NM_001122752.2 (MANE Select); coding-DNA position 674, A replaced by G.
Protein change: p.Tyr225Cys; replaces tyrosine 225 with cysteine.
Molecular consequence: missense variant.
Genome position (GRCh38, 1-based): chr3:167,792,782, A>G. VCF-style: chr3-167792782-A-G. GRCh37 (hg19) VCF-style: chr3-167510570-A-G.
Other names: c.674A>G, p.Tyr225Cys (NM_005025.5); short protein forms Y225C.
Identifiers: ClinVar variation 1036215 (VCV001036215.8), dbSNP rs1727575153, ClinGen allele CA355156870.